The following is an entry in ClinVar:

ClinVar aggregate classification (germline): Uncertain significance (1 of 4 stars; one submission).

Conditions:
CHARGE syndrome (CHARGE). Also called: Hittner Hirsch Kreh syndrome; CHARGE ASSOCIATION--COLOBOMA, HEART ANOMALY, CHOANAL ATRESIA, RETARDATION, GENITAL AND EAR ANOMALIES; Coloboma, heart anomaly, choanal atresia, retardation, genital and ear anomalies; CHARGE association; Hall-Hittner syndrome. Identifiers: Orphanet 138, MedGen C0265354, MONDO:0008965.

Submission:

Labcorp Genetics (formerly Invitae), Labcorp
Classification: Uncertain significance for CHARGE syndrome. Last evaluated: 2023-03-22. Review status: criteria provided, single submitter. Criteria: Invitae Variant Classification Sherloc (09022015). Collection method: clinical testing. Allele origin: germline.
Comment: This sequence change replaces threonine, which is neutral and polar, with isoleucine, which is neutral and non-polar, at codon 335 of the CHD7 protein (p.Thr335Ile). In summary, the available evidence is currently insufficient to determine the role of this variant in disease. Therefore, it has been classified as a Variant of Uncertain Significance. Advanced modeling of protein sequence and biophysical properties (such as structural, functional, and spatial information, amino acid conservation, physicochemical variation, residue mobility, and thermodynamic stability) performed at Invitae indicates that this missense variant is not expected to disrupt CHD7 protein function. This variant has not been reported in the literature in individuals affected with CHD7-related conditions. This variant is not present in population databases (gnomAD no frequency).

NM_017780.4(CHD7):c.1004C>T (p.Thr335Ile)

Gene: CHD7 (chromodomain helicase DNA binding protein 7; plus strand). Cytogenetic location: 8q12.2.
Variant type: single nucleotide variant.
Coding change: c.1004C>T on transcript NM_017780.4 (MANE Select); coding-DNA position 1004, C replaced by T.
Protein change: p.Thr335Ile; replaces threonine 335 with isoleucine.
Molecular consequence: missense variant.
Genome position (GRCh38, 1-based): chr8:60,742,436, C>T. VCF-style: chr8-60742436-C-T. GRCh37 (hg19) VCF-style: chr8-61654995-C-T.
Other names: c.1004C>T, p.Thr335Ile (NM_001316690.1); short protein forms T335I.
Identifiers: ClinVar variation 2845155 (VCV002845155.3), dbSNP rs1272000267, ClinGen allele CA371300578.
Genomic context (GRCh38, chr8:60,742,436, plus strand): 5'-ACAGTAACCTAAATCAGGGATTAGTTAACAATACAGGGATGAATCAAAATTTAGGCCTTA[C>T]AAATAATACTCCAATGAATCAGTCCGTACCAAGATACCCCAATGCTGTAGGATTCCCATC-3'
Protein context (NP_060250.2, residues 325-345): NTGMNQNLGL[Thr335Ile]NNTPMNQSVP